The following is an entry in ClinVar:

ClinVar aggregate classification (germline): Uncertain significance (1 of 4 stars; one submission).

Conditions:
Developmental and epileptic encephalopathy, 34 (DEE34). Also called: Early infantile epileptic encephalopathy 34; SLC12A5-Related Epilepsy of Infancy with Migrating Focal Seizures. Identifiers: Orphanet 293181, MedGen C4225257, MONDO:0014718, OMIM 616645.

Submission:

Labcorp Genetics (formerly Invitae), Labcorp
Classification: Uncertain significance for Developmental and epileptic encephalopathy, 34. Last evaluated: 2019-03-06. Review status: criteria provided, single submitter. Criteria: Invitae Variant Classification Sherloc (09022015). Collection method: clinical testing. Allele origin: germline.
Comment: In summary, the available evidence is currently insufficient to determine the role of this variant in disease. Therefore, it has been classified as a Variant of Uncertain Significance. Algorithms developed to predict the effect of missense changes on protein structure and function are either unavailable or do not agree on the potential impact of this missense change (SIFT: "Deleterious"; PolyPhen-2: "Probably Damaging"; Align-GVGD: "Class C0"). This variant has not been reported in the literature in individuals with SLC12A5-related disease. This variant is not present in population databases (ExAC no frequency). This sequence change replaces alanine with threonine at codon 1067 of the SLC12A5 protein (p.Ala1067Thr). The alanine residue is moderately conserved and there is a small physicochemical difference between alanine and threonine.

NM_020708.5(SLC12A5):c.3199G>A (p.Ala1067Thr)

Gene: SLC12A5 (solute carrier family 12 member 5; plus strand). Cytogenetic location: 20q13.12.
Variant type: single nucleotide variant.
Coding change: c.3199G>A on transcript NM_020708.5 (MANE Select); coding-DNA position 3199, G replaced by A.
Protein change: p.Ala1067Thr; replaces alanine 1067 with threonine.
Molecular consequence: missense variant.
Genome position (GRCh38, 1-based): chr20:46,057,243, G>A. VCF-style: chr20-46057243-G-A. GRCh37 (hg19) VCF-style: chr20-44685882-G-A.
Other names: c.3268G>A, p.Ala1090Thr (NM_001134771.2); short protein forms A1067T, A1090T.
Identifiers: ClinVar variation 643997 (VCV000643997.11), dbSNP rs1600607907, ClinGen allele CA409209696.